The following is an entry in ClinVar:

NM_007126.5(VCP):c.1433A>G (p.Asp478Gly)

Gene: VCP (valosin containing protein; minus strand). Cytogenetic location: 9p13.3.
Variant type: single nucleotide variant.
Coding change: c.1433A>G on transcript NM_007126.5 (MANE Select); coding-DNA position 1433, A replaced by G.
Protein change: p.Asp478Gly; replaces aspartic acid 478 with glycine.
Molecular consequence: missense variant.
Genome position (GRCh38, 1-based): chr9:35,060,850, T>C on the plus strand (A>G on the coding strand, the complement: VCP is on the minus strand). VCF-style: chr9-35060850-T-C. GRCh37 (hg19) VCF-style: chr9-35060847-T-C.
Other names: c.1298A>G, p.Asp433Gly (NM_001354927.2, NM_001354928.2); short protein forms D478G, D433G.
Identifiers: ClinVar variation 502413 (VCV000502413.10), dbSNP rs1554668345, ClinGen allele CA373280841.

ClinVar aggregate classification (germline): Uncertain significance. Review status: criteria provided, multiple submitters, no conflicts (2 of 4 stars). 2 submissions from 2 submitters: Uncertain significance (2). Last evaluated 2021-08-24.

Conditions:
Frontotemporal dementia and/or amyotrophic lateral sclerosis 6 (FTDALS6). Also called: VCP-Related Amyotrophic Lateral Sclerosis; VCP-Related Amyotrophic Lateral Sclerosis/Frontotemporal Dementia. Identifiers: Orphanet 275872, Orphanet 803, MedGen C5436279, MONDO:0013501, OMIM 613954.
Inclusion body myopathy with Paget disease of bone and frontotemporal dementia. Also called: Inclusion body myopathy with early-onset Paget disease and frontotemporal dementia. Identifiers: Orphanet 52430, MedGen C1833662, MONDO:0000507.

Submissions (2):

Labcorp Genetics (formerly Invitae), Labcorp
Classification: Uncertain significance for Inclusion body myopathy with Paget disease of bone and frontotemporal dementia; Frontotemporal dementia and/or amyotrophic lateral sclerosis 6. Last evaluated: 2021-08-24. Review status: criteria provided, single submitter. Criteria: Invitae Variant Classification Sherloc (09022015). Collection method: clinical testing. Allele origin: germline.
Comment: This sequence change replaces aspartic acid with glycine at codon 478 of the VCP protein (p.Asp478Gly). The aspartic acid residue is highly conserved and there is a moderate physicochemical difference between aspartic acid and glycine. This variant is not present in population databases (ExAC no frequency). This variant has not been reported in the literature in individuals affected with VCP-related conditions. ClinVar contains an entry for this variant (Variation ID: 502413). Advanced modeling of protein sequence and biophysical properties (such as structural, functional, and spatial information, amino acid conservation, physicochemical variation, residue mobility, and thermodynamic stability) performed at Invitae indicates that this missense variant is expected to disrupt VCP protein function. In summary, the available evidence is currently insufficient to determine the role of this variant in disease. Therefore, it has been classified as a Variant of Uncertain Significance.

Eurofins Ntd Llc (ga)
Classification: Uncertain significance. Last evaluated: 2017-06-06. Review status: criteria provided, single submitter. Criteria: EGL Classification Definitions 2015. Collection method: clinical testing. Allele origin: germline. Observed: 1 variant allele, 1 heterozygote.